The following is an entry in ClinVar:

ClinVar aggregate classification (germline): Uncertain significance. Review status: criteria provided, multiple submitters, no conflicts (2 of 4 stars). 4 submissions from 4 submitters: Uncertain significance (4). Last evaluated 2025-11-01.

Conditions:
Autosomal recessive spinocerebellar ataxia 16. Identifiers: Orphanet 412057, MedGen C5190574, MONDO:0014339, OMIM 615768.

Allele frequency attached by ClinVar (database versions not stated): TOPMed 0.00005; gnomAD exomes 0.00007; ESP Exome Variant Server 0.00008; gnomAD 0.00009; ExAC 0.00039.
gnomAD v4.1: 97 of 1,287,426 alleles (0.0075%); highest among the groups gnomAD compares: Middle Eastern, 0.29%; no homozygotes.

Submissions (4):

Medical Molecular Genetics, National Research Centre
Classification: Uncertain significance for Autosomal recessive spinocerebellar ataxia 16. Last evaluated: 2025-11-01. Review status: criteria provided, single submitter. Criteria: ACMG Guidelines, 2015. Collection method: research. Allele origin: inherited. Affected: yes.
Comment: It is very rare in population databases, with a low allele frequency in gnomAD v4 exomes and no homozygotes reported. Computational predictions are partly conflicting, although several tools and the conservation of the affected cysteine residue support a possible deleterious effect. In the absence of functional data or additional independent observations, this variant is currently classified as a Variant of Uncertain Significance (PP1, PM2, PP3).

GeneDx
Classification: Uncertain significance. Last evaluated: 2025-05-20. Review status: criteria provided, single submitter. Criteria: GeneDx Variant Classification Process June 2021. Collection method: clinical testing. Allele origin: germline. Affected: yes.
Comment: In silico analysis supports that this missense variant has a deleterious effect on protein structure/function; Has not been previously published as pathogenic or benign to our knowledge

Women's Health and Genetics/Laboratory Corporation of America, LabCorp
Classification: Uncertain significance. Last evaluated: 2025-05-19. Review status: criteria provided, single submitter. Criteria: LabCorp Variant Classification Summary - May 2015. Collection method: clinical testing. Allele origin: germline.
Comment: Variant summary: STUB1 c.143G>A (p.Cys48Tyr) results in a non-conservative amino acid change in the encoded protein sequence. Algorithms developed to predict the effect of missense changes on protein structure and function are either unavailable or do not agree on the potential impact of this missense change. The variant allele was found at a frequency of 0.00014 in 62668 control chromosomes (gnomAD). The available data on variant occurrences in the general population are insufficient to allow any conclusion about variant significance. To our knowledge, no occurrence of c.143G>A in individuals affected with Autosomal Recessive Spinocerebellar Ataxia 16 and no experimental evidence demonstrating its impact on protein function have been reported. ClinVar contains an entry for this variant (Variation ID: 1722413). Based on the evidence outlined above, the variant was classified as uncertain significance.

Labcorp Genetics (formerly Invitae), Labcorp
Classification: Uncertain significance. Last evaluated: 2025-04-21. Review status: criteria provided, single submitter. Criteria: Invitae Variant Classification Sherloc (09022015). Collection method: clinical testing. Allele origin: germline.
Comment: This sequence change replaces cysteine, which is neutral and slightly polar, with tyrosine, which is neutral and polar, at codon 48 of the STUB1 protein (p.Cys48Tyr). The frequency data for this variant in the population databases is considered unreliable, as metrics indicate poor data quality at this position in the gnomAD database. This variant has not been reported in the literature in individuals affected with STUB1-related conditions. ClinVar contains an entry for this variant (Variation ID: 1722413). Invitae Evidence Modeling of protein sequence and biophysical properties (such as structural, functional, and spatial information, amino acid conservation, physicochemical variation, residue mobility, and thermodynamic stability) indicates that this missense variant is not expected to disrupt STUB1 protein function with a negative predictive value of 80%. In summary, the available evidence is currently insufficient to determine the role of this variant in disease. Therefore, it has been classified as a Variant of Uncertain Significance.

NM_005861.4(STUB1):c.143G>A (p.Cys48Tyr)

Gene: STUB1 (STIP1 homology and U-box containing protein 1; plus strand). Cytogenetic location: 16p13.3.
Variant type: single nucleotide variant.
Coding change: c.143G>A on transcript NM_005861.4 (MANE Select); coding-DNA position 143, G replaced by A.
Protein change: p.Cys48Tyr; replaces cysteine 48 with tyrosine.
Molecular consequence: missense variant. On other transcripts: 5 prime UTR variant (1).
Genome position (GRCh38, 1-based): chr16:680,668, G>A. VCF-style: chr16-680668-G-A. GRCh37 (hg19) VCF-style: chr16-730668-G-A.
Other names: c.143G>A (NM_005861.2); c.-163G>A (NM_001293197.2); short protein forms C48Y.
Identifiers: ClinVar variation 1722413 (VCV001722413.7), dbSNP rs375727842, ClinGen allele CA7786523.
Genomic context (GRCh38, chr16:680,668, plus strand): 5'-AGCTCAAGGAGCAGGGCAATCGTCTGTTCGTGGGCCGAAAGTACCCGGAGGCGGCGGCCT[G>A]CTACGGCCGCGCGATCGTGAGTGCGCCCGCGCGGGGAGGGCGGCGGCGGTGGCACCGGGG-3'
Protein context (NP_005852.2, residues 38-58): VGRKYPEAAA[Cys48Tyr]YGRAITRNPL